The following is an entry in ClinVar:

ClinVar aggregate classification (germline): Uncertain significance (1 of 4 stars; one submission).

gnomAD v4.1: 56 of 1,614,084 alleles (0.0035%); highest among the groups gnomAD compares: Non-Finnish European, 0.0045%; 1 homozygote.

Submission:

Labcorp Genetics (formerly Invitae), Labcorp
Classification: Uncertain significance. Last evaluated: 2025-06-09. Review status: criteria provided, single submitter. Criteria: Invitae Variant Classification Sherloc (09022015). Collection method: clinical testing. Allele origin: germline.
Comment: This sequence change replaces proline, which is neutral and non-polar, with leucine, which is neutral and non-polar, at codon 1829 of the TCF20 protein (p.Pro1829Leu). This variant is present in population databases (rs369122797, gnomAD 0.003%). This variant has not been reported in the literature in individuals affected with TCF20-related conditions. ClinVar contains an entry for this variant (Variation ID: 3712385). An algorithm developed to predict the effect of missense changes on protein structure and function (PolyPhen-2) suggests that this variant is likely to be tolerated. In summary, the available evidence is currently insufficient to determine the role of this variant in disease. Therefore, it has been classified as a Variant of Uncertain Significance.

NM_001378418.1(TCF20):c.5486C>T (p.Pro1829Leu)

Gene: TCF20 (transcription factor 20; minus strand). Cytogenetic location: 22q13.2.
Variant type: single nucleotide variant.
Coding change: c.5486C>T on transcript NM_001378418.1 (MANE Select); coding-DNA position 5486, C replaced by T.
Protein change: p.Pro1829Leu; replaces proline 1829 with leucine.
Molecular consequence: missense variant.
Genome position (GRCh38, 1-based): chr22:42,209,820, G>A on the plus strand (C>T on the coding strand, the complement: TCF20 is on the minus strand). VCF-style: chr22-42209820-G-A. GRCh37 (hg19) VCF-style: chr22-42605826-G-A.
Other names: c.5486C>T, p.Pro1829Leu (NM_005650.4, NM_181492.3); short protein forms P1829L.
Identifiers: ClinVar variation 3712385 (VCV003712385.2).